The following is an entry in ClinVar:

NM_001148.6(ANK2):c.9341G>C (p.Ser3114Thr)

Gene: ANK2 (ankyrin 2; plus strand). Cytogenetic location: 4q26.
Variant type: single nucleotide variant.
Coding change: c.9341G>C on transcript NM_001148.6 (MANE Select); coding-DNA position 9341, G replaced by C.
Protein change: p.Ser3114Thr; replaces serine 3114 with threonine.
Molecular consequence: missense variant. On other transcripts: intron variant (68).
Genome position (GRCh38, 1-based): chr4:113,357,959, G>C. VCF-style: chr4-113357959-G-C. GRCh37 (hg19) VCF-style: chr4-114279115-G-C.
Other names: c.9107G>C, p.Ser3036Thr (NM_001386142.1); c.5741G>C, p.Ser1914Thr (NM_001386166.1); c.9482G>C, p.Ser3161Thr (NM_001386174.1); c.9458G>C, p.Ser3153Thr (NM_001386175.1); c.4412-2864G>C (NM_001386186.2, NM_001386148.2); c.4214-2864G>C (NM_001354269.3); c.4292-2864G>C (NM_001386187.2); c.4253-2864G>C (NM_001386147.1); and 35 more; short protein forms S1914T, S3114T, S3161T, S3036T, S3153T.
Identifiers: ClinVar variation 2565308 (VCV002565308.2), dbSNP rs750200654, ClinGen allele CA357937128.

ClinVar aggregate classification (germline): Uncertain significance (1 of 4 stars; one submission).

Conditions:
Cardiovascular phenotype. Identifiers: MedGen CN230736.

Allele frequency attached by ClinVar (database versions not stated): gnomAD 0.00001; TOPMed 0.00001.
gnomAD v4.1: 4 of 1,613,952 alleles (0.00025%); highest among the groups gnomAD compares: Non-Finnish European, 0.00034%; no homozygotes.

Submission:

Ambry Genetics
Classification: Uncertain significance for Cardiovascular phenotype. Last evaluated: 2023-04-28. Review status: criteria provided, single submitter. Criteria: Ambry Variant Classification Scheme 2023. Collection method: clinical testing. Allele origin: germline.
Comment: The p.S3114T variant (also known as c.9341G>C), located in coding exon 38 of the ANK2 gene, results from a G to C substitution at nucleotide position 9341. The serine at codon 3114 is replaced by threonine, an amino acid with similar properties. This amino acid position is conserved. In addition, this alteration is predicted to be deleterious by in silico analysis. Since supporting evidence is limited at this time, the clinical significance of this alteration remains unclear.